The following is an entry in ClinVar:

NM_005802.5(TOPORS):c.2467A>G (p.Ser823Gly)

Gene: TOPORS (TOP1 binding arginine/serine rich protein, E3 ubiquitin ligase; minus strand). Cytogenetic location: 9p21.1.
Variant type: single nucleotide variant.
Coding change: c.2467A>G on transcript NM_005802.5 (MANE Select); coding-DNA position 2467, A replaced by G.
Protein change: p.Ser823Gly; replaces serine 823 with glycine.
Molecular consequence: missense variant.
Genome position (GRCh38, 1-based): chr9:32,542,058, T>C on the plus strand (A>G on the coding strand, the complement: TOPORS is on the minus strand). VCF-style: chr9-32542058-T-C. GRCh37 (hg19) VCF-style: chr9-32542056-T-C.
Other names: c.2272A>G, p.Ser758Gly (NM_001195622.2); short protein forms S823G, S758G.
Identifiers: ClinVar variation 366563 (VCV000366563.20), dbSNP rs377384599, ClinGen allele CA5020363.
Genomic context (GRCh38, chr9:32,542,058, plus strand): 5'-AGGTATCACTCTCATTTTTGTAGTTTCCATCCAATTTTGATGAAGATTTTTGGTAATGAC[T>C]GTCCTTTGCTTTAGAAGCAAATTCACGAGATGGCTGAGCCACTTCGTTAGTACCCTCCAA-3'
Protein context (NP_005793.2, residues 813-833): SREFASKAKD[Ser823Gly]HYQKSSSKLD

ClinVar aggregate classification (germline): Benign/Likely benign. Review status: criteria provided, multiple submitters, no conflicts (2 of 4 stars). 6 submissions from 6 submitters: Benign (1); Likely benign (4). 1 of the submissions does not count toward it. Last evaluated 2026-02-01.

Conditions:
TOPORS-related disorder. Also called: TOPORS-related condition.
Retinitis pigmentosa (RP). Identifiers: Orphanet 791, MedGen C0035334, MeSH D012174, MONDO:0019200, OMIM 268000. Inheritance: Autosomal dominant, autosomal recessive and X linked inheritance.

Allele frequency attached by ClinVar (database versions not stated): gnomAD 0.00002 and 0.00004; TOPMed 0.00002; ESP Exome Variant Server 0.00008; gnomAD exomes 0.00016 and 0.00028; ExAC 0.00032.

Submissions (6):

CeGaT Center for Human Genetics Tuebingen
Classification: Likely benign. Last evaluated: 2026-02-01. Review status: criteria provided, single submitter. Criteria: CeGaT Center For Human Genetics Tuebingen Variant Classification Criteria Version 2. Collection method: clinical testing. Allele origin: germline. Affected: yes. Observed: 1 variant allele.
Comment: TOPORS: BP4

Labcorp Genetics (formerly Invitae), Labcorp
Classification: Benign. Last evaluated: 2025-06-25. Review status: criteria provided, single submitter. Criteria: Invitae Variant Classification Sherloc (09022015). Collection method: clinical testing. Allele origin: germline.

Blueprint Genetics
Classification: Likely benign. Last evaluated: 2024-07-09. Review status: criteria provided, single submitter. Criteria: ACMG Guidelines, 2015. Collection method: clinical testing. Allele origin: germline.

Illumina Laboratory Services, Illumina
Classification: Likely benign for Retinitis pigmentosa. Last evaluated: 2018-01-13. Review status: criteria provided, single submitter. Criteria: ICSL Variant Classification Criteria 13 December 2019. Collection method: clinical testing. Allele origin: germline.
Comment: This variant was observed in the ICSL laboratory as part of a predisposition screen in an ostensibly healthy population. It had not been previously curated by ICSL or reported in the Human Gene Mutation Database (HGMD: prior to June 1st, 2018), and was therefore a candidate for classification through an automated scoring system. Utilizing variant allele frequency, disease prevalence and penetrance estimates, and inheritance mode, an automated score was calculated to assess if this variant is too frequent to cause the disease. Based on the score and internal cut-off values, a variant classified as likely benign is not then subjected to further curation. The score for this variant resulted in a classification of likely benign for this disease.

Breakthrough Genomics
Classification: Likely benign. Review status: criteria provided, single submitter. Criteria: ACMG Guidelines, 2015. Collection method: not provided. Allele origin: germline. Inheritance: Unknown mechanism. Affected: yes.

PreventionGenetics, part of Exact Sciences
Classification: Likely benign for TOPORS-related condition. Last evaluated: 2024-09-05. Review status: no assertion criteria provided. Collection method: clinical testing. Allele origin: germline. Not counted in ClinVar's aggregate classification.
Comment: This variant is classified as likely benign based on ACMG/AMP sequence variant interpretation guidelines (Richards et al. 2015 PMID: 25741868, with internal and published modifications).